The following is an entry in ClinVar:

ClinVar aggregate classification (germline): Uncertain significance. Review status: criteria provided, multiple submitters, no conflicts (2 of 4 stars). 2 submissions from 2 submitters: Uncertain significance (2). Last evaluated 2025-11-10.

Conditions:
Hereditary cancer-predisposing syndrome. Also called: Neoplastic Syndromes, Hereditary; Hereditary Cancer Syndrome; Hereditary neoplastic syndrome; Tumor predisposition. Identifiers: Orphanet 140162, MedGen C0027672, MeSH D009386, MONDO:0015356.

gnomAD v4.1: 1 of 1,613,730 alleles (0.000062%); highest among the groups gnomAD compares: Non-Finnish European, 0.000085%; no homozygotes.

Submissions (2):

Labcorp Genetics (formerly Invitae), Labcorp
Classification: Uncertain significance. Last evaluated: 2025-11-10. Review status: criteria provided, single submitter. Criteria: Invitae Variant Classification Sherloc (09022015). Collection method: clinical testing. Allele origin: germline.
Comment: This sequence change replaces leucine, which is neutral and non-polar, with valine, which is neutral and non-polar, at codon 1056 of the MSH3 protein (p.Leu1056Val). This variant is not present in population databases (gnomAD no frequency). This variant has not been reported in the literature in individuals affected with MSH3-related conditions. ClinVar contains an entry for this variant (Variation ID: 2761857). An algorithm developed to predict the effect of missense changes on protein structure and function (PolyPhen-2) suggests that this variant is likely to be disruptive. In summary, the available evidence is currently insufficient to determine the role of this variant in disease. Therefore, it has been classified as a Variant of Uncertain Significance.

Ambry Genetics
Classification: Uncertain significance for Hereditary cancer-predisposing syndrome. Last evaluated: 2025-10-14. Review status: criteria provided, single submitter. Criteria: Ambry Variant Classification Scheme 2023. Collection method: clinical testing. Allele origin: germline.
Comment: The p.L1056V variant (also known as c.3166C>G), located in coding exon 23 of the MSH3 gene, results from a C to G substitution at nucleotide position 3166. The leucine at codon 1056 is replaced by valine, an amino acid with highly similar properties. This amino acid position is highly conserved in available vertebrate species. In addition, the in silico prediction for this alteration is inconclusive. Based on the available evidence, the clinical significance of this variant remains unclear.

NM_002439.5(MSH3):c.3166C>G (p.Leu1056Val)

Gene: MSH3 (mutS homolog 3; plus strand). Cytogenetic location: 5q14.1.
Variant type: single nucleotide variant.
Coding change: c.3166C>G on transcript NM_002439.5 (MANE Select); coding-DNA position 3166, C replaced by G.
Protein change: p.Leu1056Val; replaces leucine 1056 with valine.
Molecular consequence: missense variant.
Genome position (GRCh38, 1-based): chr5:80,873,151, C>G. VCF-style: chr5-80873151-C-G. GRCh37 (hg19) VCF-style: chr5-80168970-C-G.
Other names: c.3166C>G (NM_002439.3); short protein forms L1056V.
Identifiers: ClinVar variation 2761857 (VCV002761857.4), dbSNP rs188074706, ClinGen allele CA360346858.